The following is an entry in ClinVar:

ClinVar aggregate classification (germline): Benign/Likely benign. Review status: criteria provided, multiple submitters, no conflicts (2 of 4 stars). 3 submissions from 3 submitters: Benign (1); Likely benign (2). Last evaluated 2024-10-29.

Conditions:
Prostate cancer, hereditary, 9 (HPC9). Identifiers: Orphanet 1331, MedGen C1970250, MONDO:0012597, OMIM 610997.
Hereditary cancer-predisposing syndrome. Also called: Tumor predisposition; Hereditary Cancer Syndrome; Hereditary neoplastic syndrome; Neoplastic Syndromes, Hereditary. Identifiers: Orphanet 140162, MedGen C0027672, MeSH D009386, MONDO:0015356.

gnomAD v4.1: 1 of 1,613,944 alleles (0.000062%); highest among the groups gnomAD compares: Non-Finnish European, 0.000085%; no homozygotes.

Submissions (3):

Myriad Genetics, Inc.
Classification: Benign for Prostate cancer, hereditary, 9. Last evaluated: 2024-10-29. Review status: criteria provided, single submitter. Criteria: Myriad Autosomal Dominant, Autosomal Recessive and X-Linked Classification Criteria (2023). Collection method: clinical testing. Allele origin: unknown.
Comment: This variant is considered benign. This variant is a silent/synonymous amino acid change and it is not expected to impact splicing.

Labcorp Genetics (formerly Invitae), Labcorp
Classification: Likely benign. Last evaluated: 2023-04-07. Review status: criteria provided, single submitter. Criteria: Invitae Variant Classification Sherloc (09022015). Collection method: clinical testing. Allele origin: germline.

Ambry Genetics
Classification: Likely benign for Hereditary cancer-predisposing syndrome. Last evaluated: 2021-04-25. Review status: criteria provided, single submitter. Criteria: Ambry Variant Classification Scheme 2023. Collection method: clinical testing. Allele origin: germline.

NM_006361.6(HOXB13):c.231C>T (p.Pro77=)

Gene: HOXB13 (homeobox B13; minus strand). Cytogenetic location: 17q21.32.
Variant type: single nucleotide variant.
Coding change: c.231C>T on transcript NM_006361.6 (MANE Select); coding-DNA position 231, C replaced by T.
Protein change: p.Pro77=; no amino-acid change (proline 77 retained).
Molecular consequence: synonymous variant.
Genome position (GRCh38, 1-based): chr17:48,728,363, G>A on the plus strand (C>T on the coding strand, the complement: HOXB13 is on the minus strand). VCF-style: chr17-48728363-G-A. GRCh37 (hg19) VCF-style: chr17-46805725-G-A.
Identifiers: ClinVar variation 1562066 (VCV001562066.11), dbSNP rs770545259, ClinGen allele CA500662002.